The following is an entry in ClinVar:

NM_001278116.2(L1CAM):c.1983del (p.Lys661fs)

Gene: L1CAM (L1 cell adhesion molecule; minus strand). Cytogenetic location: Xq28.
Variant type: Deletion.
Coding change: c.1983del on transcript NM_001278116.2 (MANE Select); coding-DNA position 1983, one base deleted (A; older notation c.1983delA).
Protein change: p.Lys661fs; shifts the reading frame from lysine 661.
Molecular consequence: frameshift variant.
Genome position (GRCh38, 1-based): chrX:153,867,510, T deleted on the plus strand (A on the coding strand, the reverse complement: L1CAM is on the minus strand); the first of 5 consecutive T bases (chrX:153,867,510-153,867,514); deleting any one gives the same sequence. VCF-style (leftmost placement, unchanged base first): chrX-153867509-AT-A. GRCh37 (hg19) VCF-style: chrX-153132964-AT-A.
Other names: c.1983del, p.Lys661fs (NM_000425.5, NM_024003.3); c.1968del, p.Lys656fs (NM_001143963.2); c.1983delA (NM_000425.3); short protein forms K656fs, K661fs.
Identifiers: ClinVar variation 449048 (VCV000449048.3), dbSNP rs1557091377, ClinGen allele CA658659079.

ClinVar aggregate classification (germline): Pathogenic (1 of 4 stars; one submission).

Submission:

GeneDx
Classification: Pathogenic. Last evaluated: 2019-12-09. Review status: criteria provided, single submitter. Criteria: GeneDx Variant Classification Process June 2021. Collection method: clinical testing. Allele origin: germline. Affected: yes.
Comment: Frameshift variant predicted to result in protein truncation or nonsense mediated decay in a gene for which loss-of-function is a known mechanism of disease; Not observed in large population cohorts (Lek et al., 2016); This variant is associated with the following publications: (PMID: 10797421)